The following is an entry in ClinVar:

ClinVar aggregate classification (germline): Pathogenic (1 of 4 stars; one submission).

Conditions:
Retinoblastoma (RB1). Also called: RETINOBLASTOMA, SOMATIC. Identifiers: Orphanet 790, MedGen C0035335, MeSH D012175, MONDO:0008380, OMIM 180200, HP:0009919. Disease mechanism: loss of function. Inheritance: Both sporadic and heritable forms are tested..

Submission:

Labcorp Genetics (formerly Invitae), Labcorp
Classification: Pathogenic for Retinoblastoma. Last evaluated: 2021-03-26. Review status: criteria provided, single submitter. Criteria: Invitae Variant Classification Sherloc (09022015). Collection method: clinical testing. Allele origin: germline.
Comment: For these reasons, this variant has been classified as Pathogenic. Algorithms developed to predict the effect of sequence changes on RNA splicing suggest that this variant may create or strengthen a splice site, but this prediction has not been confirmed by published transcriptional studies. This variant has been observed in individual(s) with retinoblastoma@ (PMID: 12955724, 29568217, 22963398, 24810223, 28575107). This variant is not present in population databases (ExAC no frequency). This sequence change creates a premature translational stop signal (p.Tyr498*) in the RB1 gene. It is expected to result in an absent or disrupted protein product. Loss-of-function variants in RB1 are known to be pathogenic (PMID: 17096365).

Literature cited by the submitters: PubMed 12955724; PubMed 29568217; PubMed 22963398; PubMed 24810223; PubMed 28575107; PubMed 17096365.

NM_000321.3(RB1):c.1494T>G (p.Tyr498Ter)

Gene: RB1 (RB transcriptional corepressor 1; plus strand). Cytogenetic location: 13q14.2.
Variant type: single nucleotide variant.
Coding change: c.1494T>G on transcript NM_000321.3 (MANE Select); coding-DNA position 1494, T replaced by G.
Protein change: p.Tyr498Ter; replaces tyrosine 498 with a stop codon.
Molecular consequence: nonsense.
Genome position (GRCh38, 1-based): chr13:48,380,237, T>G. VCF-style: chr13-48380237-T-G. GRCh37 (hg19) VCF-style: chr13-48954373-T-G.
Other names: short protein forms Y498*.
Identifiers: ClinVar variation 1453496 (VCV001453496.8), dbSNP rs768929728, ClinGen allele CA388162917.